The following is an entry in ClinVar:

ClinVar aggregate classification (germline): Conflicting classifications of pathogenicity. Review status: criteria provided, conflicting classifications (1 of 4 stars). 10 submissions from 10 submitters: Uncertain significance (9); Likely benign (1). Last evaluated 2026-01-10.

Conditions:
Hereditary cancer-predisposing syndrome. Also called: Neoplastic Syndromes, Hereditary; Hereditary Cancer Syndrome; Tumor predisposition; Hereditary neoplastic syndrome. Identifiers: Orphanet 140162, MedGen C0027672, MeSH D009386, MONDO:0015356.
Pancreatic cancer, susceptibility to, 3. Identifiers: Orphanet 1333, MedGen C3150547, MONDO:0013236, OMIM 613348.
Fanconi anemia complementation group N. Also called: PALB2-Related Fanconi Anemia. Identifiers: Orphanet 84, MedGen C1835817, MONDO:0012565, OMIM 610832. Disease mechanism: loss of function.
Familial cancer of breast. Also called: Hereditary breast cancer; hereditary breast carcinoma; BREAST CANCER, FAMILIAL. Identifiers: Orphanet 227535, MedGen C0346153, MONDO:0016419, OMIM 114480. Disease mechanism: loss of function.
Hereditary breast ovarian cancer syndrome. Also called: BRCA1- and BRCA2-Associated Hereditary Breast and Ovarian Cancer; Hereditary breast and ovarian cancer syndrome (HBOC); Hereditary breast and ovarian cancer syndrome; Hereditary breast and ovarian cancer; Hereditary breast and/or ovarian cancer syndrome; Breast and ovarian cancer. Identifiers: Orphanet 145, MedGen C0677776, MeSH D061325, MONDO:0003582. Disease mechanism: loss of function.

Allele frequency attached by ClinVar (database versions not stated): gnomAD exomes below 0.00001; TOPMed below 0.00001; gnomAD 0.00001.
gnomAD v4.1: 6 of 1,613,898 alleles (0.00037%); highest among the groups gnomAD compares: Non-Finnish European, 0.00051%; no homozygotes.

Submissions (10):

Labcorp Genetics (formerly Invitae), Labcorp
Classification: Uncertain significance for Familial cancer of breast. Last evaluated: 2026-01-10. Review status: criteria provided, single submitter. Criteria: Invitae Variant Classification Sherloc (09022015). Collection method: clinical testing. Allele origin: germline.
Comment: This sequence change replaces proline, which is neutral and non-polar, with alanine, which is neutral and non-polar, at codon 1111 of the PALB2 protein (p.Pro1111Ala). This variant is not present in population databases (gnomAD no frequency). This variant has not been reported in the literature in individuals affected with PALB2-related conditions. ClinVar contains an entry for this variant (Variation ID: 219647). An algorithm developed to predict the effect of missense changes on protein structure and function (PolyPhen-2) suggests that this variant is likely to be tolerated. Experimental studies have shown that this missense change does not substantially affect PALB2 function (PMID: 31757951). In summary, the available evidence is currently insufficient to determine the role of this variant in disease. Therefore, it has been classified as a Variant of Uncertain Significance.

Women's Health and Genetics/Laboratory Corporation of America, LabCorp
Classification: Uncertain significance. Last evaluated: 2025-12-18. Review status: criteria provided, single submitter. Criteria: LabCorp Variant Classification Summary - May 2015. Collection method: clinical testing. Allele origin: germline.
Comment: Variant summary: PALB2 c.3331C>G (p.Pro1111Ala) results in a non-conservative amino acid change located in the Partner and localiser of BRCA2, WD40 domain (IPR031920) of the encoded protein sequence. Algorithms developed to predict the effect of missense changes on protein structure and function are either unavailable or do not agree on the potential impact of this missense change. The variant was absent in 251456 control chromosomes. The available data on variant occurrences in the general population are insufficient to allow any conclusion about variant significance. c.3331C>G has been reported in individuals affected with Breast Cancer (Dorling_2021), however, this report does not provide unequivocal conclusions about association of the variant with Hereditary Breast And Ovarian Cancer Syndrome. One publication using mouse embryonic stem cells lacking Palb2 reported that complementation with the human P111A-PALB2 was able to rescue homologous recombination and confer PARPi resistance similar to levels seen with human wildtype-PALB2 (Boonen_2019). The following publications have been ascertained in the context of this evaluation (PMID: 31757951, 33471991). ClinVar contains an entry for this variant (Variation ID: 219647). Based on the evidence outlined above, the variant was classified as uncertain significance.

Ambry Genetics
Classification: Uncertain significance for Hereditary cancer-predisposing syndrome. Last evaluated: 2025-09-19. Review status: criteria provided, single submitter. Criteria: Ambry Variant Classification Scheme 2023. Collection method: clinical testing. Allele origin: germline.
Comment: The p.P1111A variant (also known as c.3331C>G), located in coding exon 12 of the PALB2 gene, results from a C to G substitution at nucleotide position 3331. The proline at codon 1111 is replaced by alanine, an amino acid with highly similar properties. This alteration was detected in 1/5589 German BRCA1/2-negative probands with breast cancer (Hauke J et al. Cancer Med. 2018 04;7:1349-1358). In one functional study, this variant did not significantly impair homologous recombination efficiency compared to wild-type, and was classified as a variant of uncertain significance by the authors (Boonen RACM et al. Nat Commun. 2019 11;10:5296). This amino acid position is highly conserved in available vertebrate species. In addition, the in silico prediction for this alteration is inconclusive. Based on the available evidence, the clinical significance of this variant remains unclear.

CeGaT Center for Human Genetics Tuebingen
Classification: Likely benign. Last evaluated: 2024-11-01. Review status: criteria provided, single submitter. Criteria: CeGaT Center For Human Genetics Tuebingen Variant Classification Criteria Version 2. Collection method: clinical testing. Allele origin: germline. Affected: yes. Observed: 1 variant allele.
Comment: PALB2: BP1, BP4, BS3:Supporting

Color Diagnostics, LLC DBA Color Health
Classification: Uncertain significance for Hereditary cancer-predisposing syndrome. Last evaluated: 2024-08-06. Review status: criteria provided, single submitter. Criteria: ACMG Guidelines, 2015. Collection method: clinical testing. Allele origin: germline.
Comment: This missense variant replaces proline with alanine at codon 1111 of the PALB2 protein. Computational prediction suggests that this variant may not impact protein structure and function (internally defined REVEL score threshold <= 0.5, PMID: 27666373). A functional study has shown that this variant has neutral impact on PALB2 function (PMID: 31757951). This variant has been reported in an individual affected with breast cancer (PMID: 29522266). This variant has not been identified in the general population by the Genome Aggregation Database (gnomAD). The available evidence is insufficient to determine the role of this variant in disease conclusively. Therefore, this variant is classified as a Variant of Uncertain Significance.

German Consortium for Hereditary Breast and Ovarian Cancer, University Hospital Cologne
Classification: Uncertain significance for Hereditary breast ovarian cancer syndrome. Last evaluated: 2024-05-14. Review status: criteria provided, single submitter. Criteria: ClinGen PALB2 V1.0.0. Collection method: curation. Allele origin: germline.
Comment: According to the ClinGen ACMG PALB2 v1.0.0 criteria we chose this criterion: BP1 (supporting benign): ClinGen: Apply to all missense variants.

Baylor Genetics
Classification: Uncertain significance for Familial cancer of breast. Last evaluated: 2024-03-15. Review status: criteria provided, single submitter. Criteria: ACMG Guidelines, 2015. Collection method: clinical testing. Allele origin: unknown.

Fulgent Genetics
Classification: Uncertain significance for Familial cancer of breast; Fanconi anemia complementation group N; Pancreatic cancer, susceptibility to, 3. Last evaluated: 2022-01-11. Review status: criteria provided, single submitter. Criteria: ACMG Guidelines, 2015. Collection method: clinical testing. Allele origin: unknown.

Institute for Clinical Genetics, University Hospital TU Dresden, University Hospital TU Dresden
Classification: Uncertain significance. Last evaluated: 2021-11-03. Review status: criteria provided, single submitter. Criteria: ACMG Guidelines, 2015. Collection method: clinical testing. Allele origin: germline.

Quest Diagnostics Nichols Institute San Juan Capistrano
Classification: Uncertain significance. Last evaluated: 2020-09-24. Review status: criteria provided, single submitter. Criteria: Quest Diagnostics criteria. Collection method: clinical testing. Allele origin: unknown.

Literature cited by the submitters: PubMed 31757951 (cited by 5 submitters); PubMed 33471991 (cited by Women's Health and Genetics/Laboratory Corporation of America, LabCorp); PubMed 29522266 (cited by Ambry Genetics and Color Diagnostics, LLC DBA Color Health).

NM_024675.4(PALB2):c.3331C>G (p.Pro1111Ala)

Gene: PALB2 (partner and localizer of BRCA2; minus strand). Cytogenetic location: 16p12.2.
Variant type: single nucleotide variant.
Coding change: c.3331C>G on transcript NM_024675.4 (MANE Select); coding-DNA position 3331, C replaced by G.
Protein change: p.Pro1111Ala; replaces proline 1111 with alanine.
Molecular consequence: missense variant.
Genome position (GRCh38, 1-based): chr16:23,607,883, G>C on the plus strand (C>G on the coding strand, the complement: PALB2 is on the minus strand). VCF-style: chr16-23607883-G-C. GRCh37 (hg19) VCF-style: chr16-23619204-G-C.
Other names: short protein forms P1111A.
Identifiers: ClinVar variation 219647 (VCV000219647.43), dbSNP rs864622193, ClinGen allele CA350039.